The following is an entry in ClinVar:

ClinVar aggregate classification (germline): Pathogenic (1 of 4 stars; one submission).

Submission:

Illumina Laboratory Services, Illumina
Classification: Pathogenic. Last evaluated: 2019-06-20. Review status: criteria provided, single submitter. Criteria: ICSL CNVClassificationCriteria Aug2020. Collection method: clinical testing. Allele origin: unknown.
Comment: This CNV is a 552 kb deletion of 15q11.2, on chromosome 15, (seq[GRCH37]del(15)(q11.2); chr15:g.22749635_23301317del) which is inherited. This CNV constitutes a loss encompassing 16 genes, including TUBGCP5, NIPA1, NIPA2 and CYFIP1, four highly conserved genes known to escape imprinting. This CNV closely overlaps the well-described 15q11.2 microdeletion syndrome which has been reported in many cases in the literature, and is positioned between the known breakpoints, BP1 and BP2 on 15q (Cox and Butler 2015; Vanlerberghe et al. 2015). Similar CNVs have been reported in controls but the CNV is known to have reduced penetrance and was frequently inherited from an unaffected or very mildly affected parent (Kovel et al. 2010; Von der Lippe et al. 2011). Based on the collective evidence, this CNV is classified as pathogenic.

Literature cited by the submitters: PubMed 19843651; PubMed 21187176; PubMed 25596525; PubMed 25689425.

GRCh37/hg19 15q11.2(chr15:22749635-23301317)x1

Genes: CYFIP1 (cytoplasmic FMR1 interacting protein 1; minus strand), NIPA1 (NIPA magnesium transporter 1; plus strand), NIPA2 (NIPA magnesium transporter 2; plus strand), TUBGCP5 (tubulin gamma complex associated protein 5; minus strand). Cytogenetic location: 15q11.2.
Variant type: copy number loss.
Change: copy number 1 (one copy instead of two) of chr15:22,749,635-23,301,317 (551.7 kb, GRCh37 coordinates, 1-based), cytogenetic band 15q11.2.
Identifiers: ClinVar variation 988925 (VCV000988925.4).